The following is an entry in ClinVar:

NM_001267550.2(TTN):c.43749G>A (p.Glu14583=)

Gene: TTN (titin; minus strand). Cytogenetic location: 2q31.2.
Variant type: single nucleotide variant.
Coding change: c.43749G>A on transcript NM_001267550.2 (MANE Select); coding-DNA position 43749, G replaced by A.
Protein change: p.Glu14583=; no amino-acid change (glutamic acid 14583 retained).
Molecular consequence: synonymous variant.
Genome position (GRCh38, 1-based): chr2:178,631,299, C>T on the plus strand (G>A on the coding strand, the complement: TTN is on the minus strand). VCF-style: chr2-178631299-C-T. GRCh37 (hg19) VCF-style: chr2-179496026-C-T.
Other names: c.38826G>A, p.Glu12942= (NM_001256850.1); c.16554G>A, p.Glu5518= (NM_003319.4); c.36045G>A, p.Glu12015= (NM_133378.4); c.16929G>A, p.Glu5643= (NM_133432.3); c.17130G>A, p.Glu5710= (NM_133437.4).
Identifiers: ClinVar variation 2586578 (VCV002586578.2), dbSNP rs2471420910, ClinGen allele CA430276439.

ClinVar aggregate classification (germline): Uncertain significance (1 of 4 stars; one submission).

Conditions:
Cardiovascular phenotype. Identifiers: MedGen CN230736.

Submission:

Ambry Genetics
Classification: Uncertain significance for Cardiovascular phenotype. Last evaluated: 2023-09-06. Review status: criteria provided, single submitter. Criteria: Ambry Variant Classification Scheme 2023. Collection method: clinical testing. Allele origin: germline.
Comment: The c.16554G>A variant (also known as p.E5518E), located in coding exon 64 of the TTN gene, results from a G to A substitution at nucleotide position 16554. This nucleotide substitution does not change the glutamic acid at codon 5518. This nucleotide position is highly conserved in available vertebrate species. In silico splice site analysis predicts that this alteration may result in the creation or strengthening of a novel splice acceptor site. Since supporting evidence is limited at this time, the clinical significance of this alteration remains unclear.